The following is an entry in ClinVar:

NM_006231.4(POLE):c.4091G>C (p.Arg1364Pro)

Gene: POLE (DNA polymerase epsilon, catalytic subunit; minus strand). Cytogenetic location: 12q24.33.
Variant type: single nucleotide variant.
Coding change: c.4091G>C on transcript NM_006231.4 (MANE Select); coding-DNA position 4091, G replaced by C.
Protein change: p.Arg1364Pro; replaces arginine 1364 with proline.
Molecular consequence: missense variant.
Genome position (GRCh38, 1-based): chr12:132,648,987, C>G on the plus strand (G>C on the coding strand, the complement: POLE is on the minus strand). VCF-style: chr12-132648987-C-G. GRCh37 (hg19) VCF-style: chr12-133225573-C-G.
Other names: short protein forms R1364P.
Identifiers: ClinVar variation 2089446 (VCV002089446.4), dbSNP rs369171111, ClinGen allele CA387383754.

ClinVar aggregate classification (germline): Uncertain significance (1 of 4 stars; one submission).

Submission:

Labcorp Genetics (formerly Invitae), Labcorp
Classification: Uncertain significance. Last evaluated: 2022-01-26. Review status: criteria provided, single submitter. Criteria: Invitae Variant Classification Sherloc (09022015). Collection method: clinical testing. Allele origin: germline.
Comment: This sequence change replaces arginine, which is basic and polar, with proline, which is neutral and non-polar, at codon 1364 of the POLE protein (p.Arg1364Pro). This variant is not present in population databases (gnomAD no frequency). This variant has not been reported in the literature in individuals affected with POLE-related conditions. Algorithms developed to predict the effect of missense changes on protein structure and function (SIFT, PolyPhen-2, Align-GVGD) all suggest that this variant is likely to be disruptive. In summary, the available evidence is currently insufficient to determine the role of this variant in disease. Therefore, it has been classified as a Variant of Uncertain Significance.